The following is an entry in ClinVar:

NM_130384.3(ATRIP):c.1910T>C (p.Met637Thr)

Genes: ATRIP (ATR interacting protein; plus strand), ATRIP-TREX1 (ATRIP-TREX1 readthrough; plus strand). Cytogenetic location: 3p21.31.
Variant type: single nucleotide variant.
Coding change: c.1910T>C on transcript NM_130384.3 (MANE Select); coding-DNA position 1910, T replaced by C.
Protein change: p.Met637Thr; replaces methionine 637 with threonine.
Molecular consequence: missense variant. On other transcripts: non-coding transcript variant (1).
Genome position (GRCh38, 1-based): chr3:48,464,068, T>C. VCF-style: chr3-48464068-T-C. GRCh37 (hg19) VCF-style: chr3-48505467-T-C.
Other names: c.1529T>C, p.Met510Thr (NM_001271022.2); c.1631T>C, p.Met544Thr (NM_001271023.2); c.1910T>C, p.Met637Thr (NM_032166.4); short protein forms M544T, M510T, M637T.
Identifiers: ClinVar variation 3001922 (VCV003001922.3), dbSNP rs2530007419, ClinGen allele CA352730778.

ClinVar aggregate classification (germline): Uncertain significance (1 of 4 stars; one submission).

Allele frequency attached by ClinVar (database versions not stated): gnomAD exomes below 0.00001.
gnomAD v4.1: 3 of 1,613,772 alleles (0.00019%); highest among the groups gnomAD compares: Non-Finnish European, 0.00017%; no homozygotes.

Submission:

Labcorp Genetics (formerly Invitae), Labcorp
Classification: Uncertain significance. Last evaluated: 2023-09-30. Review status: criteria provided, single submitter. Criteria: Invitae Variant Classification Sherloc (09022015). Collection method: clinical testing. Allele origin: germline.
Comment: This sequence change replaces methionine, which is neutral and non-polar, with threonine, which is neutral and polar, at codon 637 of the ATRIP protein (p.Met637Thr). This variant is not present in population databases (gnomAD no frequency). This variant has not been reported in the literature in individuals affected with ATRIP-related conditions. Algorithms developed to predict the effect of missense changes on protein structure and function output the following: SIFT: "Not Available"; PolyPhen-2: "Benign"; Align-GVGD: "Not Available". The threonine amino acid residue is found in multiple mammalian species, which suggests that this missense change does not adversely affect protein function. In summary, the available evidence is currently insufficient to determine the role of this variant in disease. Therefore, it has been classified as a Variant of Uncertain Significance.